The following is an entry in ClinVar:

NM_004560.4(ROR2):c.2034C>A (p.Tyr678Ter)

Gene: ROR2 (receptor tyrosine kinase like orphan receptor 2; minus strand). Cytogenetic location: 9q22.31.
Variant type: single nucleotide variant.
Coding change: c.2034C>A on transcript NM_004560.4 (MANE Select); coding-DNA position 2034, C replaced by A.
Protein change: p.Tyr678Ter; replaces tyrosine 678 with a stop codon.
Molecular consequence: nonsense.
Genome position (GRCh38, 1-based): chr9:91,724,460, G>T on the plus strand (C>A on the coding strand, the complement: ROR2 is on the minus strand). VCF-style: chr9-91724460-G-T. GRCh37 (hg19) VCF-style: chr9-94486742-G-T.
Other names: short protein forms Y678*.
Identifiers: ClinVar variation 4077089 (VCV004077089.1).

ClinVar aggregate classification (germline): Uncertain significance (1 of 4 stars; one submission).

Conditions:
Brachydactyly type B1 (BDB1). Identifiers: Orphanet 572385, Orphanet 93383, MedGen C1862112, MONDO:0007220, OMIM 113000.

gnomAD v4.1: 1 of 1,614,198 alleles (0.000062%); highest among the groups gnomAD compares: Non-Finnish European, 0.000085%; no homozygotes.

Submission:

MVZ Medizinische Genetik Mainz
Classification: Uncertain significance for Brachydactyly type B1. Last evaluated: 2025-08-08. Review status: criteria provided, single submitter. Criteria: UK Practice Guidelines For Variant Classification V4 01 2020. Collection method: clinical testing. Allele origin: germline. Inheritance: Autosomal dominant inheritance. Affected: yes. Observed: 1 variant allele.
Comment: ACMG Criteria: PVS1_STR,PM2_SUP